The following is an entry in ClinVar:

ClinVar aggregate classification (germline): Uncertain significance. Review status: criteria provided, multiple submitters, no conflicts (2 of 4 stars). 2 submissions from 2 submitters: Uncertain significance (2). Last evaluated 2025-01-16.

Conditions:
Familial sleep-related hypermotor epilepsy. Also called: Autosomal Dominant Sleep-Related Hypermotor (Hyperkinetic) Epilepsy. Identifiers: Orphanet 98784, MedGen C3696898, MONDO:0000030.
Inborn genetic diseases. Identifiers: MedGen C0950123, MeSH D030342.

Submissions (2):

Ambry Genetics
Classification: Uncertain significance for Inborn genetic diseases. Last evaluated: 2025-01-16. Review status: criteria provided, single submitter. Criteria: Ambry Variant Classification Scheme 2023. Collection method: clinical testing. Allele origin: germline.

Labcorp Genetics (formerly Invitae), Labcorp
Classification: Uncertain significance. Last evaluated: 2024-02-21. Review status: criteria provided, single submitter. Criteria: Invitae Variant Classification Sherloc (09022015). Collection method: clinical testing. Allele origin: germline.
Comment: This sequence change replaces arginine, which is basic and polar, with cysteine, which is neutral and slightly polar, at codon 432 of the CHRNB2 protein (p.Arg432Cys). This variant is not present in population databases (gnomAD no frequency). This variant has not been reported in the literature in individuals affected with CHRNB2-related conditions. Advanced modeling of protein sequence and biophysical properties (such as structural, functional, and spatial information, amino acid conservation, physicochemical variation, residue mobility, and thermodynamic stability) performed at Invitae indicates that this missense variant is not expected to disrupt CHRNB2 protein function with a negative predictive value of 80%. In summary, the available evidence is currently insufficient to determine the role of this variant in disease. Therefore, it has been classified as a Variant of Uncertain Significance.

NM_000748.3(CHRNB2):c.1294C>T (p.Arg432Cys)

Gene: CHRNB2 (cholinergic receptor nicotinic beta 2 subunit; plus strand). Cytogenetic location: 1q21.3.
Variant type: single nucleotide variant.
Coding change: c.1294C>T on transcript NM_000748.3 (MANE Select); coding-DNA position 1294, C replaced by T.
Protein change: p.Arg432Cys; replaces arginine 432 with cysteine.
Molecular consequence: missense variant.
Genome position (GRCh38, 1-based): chr1:154,572,117, C>T. VCF-style: chr1-154572117-C-T. GRCh37 (hg19) VCF-style: chr1-154544593-C-T.
Other names: c.1294C>T (NM_000748.2); short protein forms R432C.
Identifiers: ClinVar variation 3679797 (VCV003679797.3).